The following is an entry in ClinVar:

ClinVar aggregate classification (germline): Uncertain significance (1 of 4 stars; one submission).

Allele frequency attached by ClinVar (database versions not stated): gnomAD exomes below 0.00001; TOPMed below 0.00001.
gnomAD v4.1: 1 of 1,614,208 alleles (0.000062%); highest among the groups gnomAD compares: Non-Finnish European, 0.000085%; no homozygotes.

Submission:

Labcorp Genetics (formerly Invitae), Labcorp
Classification: Uncertain significance. Last evaluated: 2022-06-03. Review status: criteria provided, single submitter. Criteria: Invitae Variant Classification Sherloc (09022015). Collection method: clinical testing. Allele origin: germline.
Comment: This sequence change replaces histidine, which is basic and polar, with tyrosine, which is neutral and polar, at codon 1505 of the OTOF protein (p.His1505Tyr). This variant is not present in population databases (gnomAD no frequency). This variant has not been reported in the literature in individuals affected with OTOF-related conditions. Algorithms developed to predict the effect of missense changes on protein structure and function (SIFT, PolyPhen-2, Align-GVGD) all suggest that this variant is likely to be disruptive. In summary, the available evidence is currently insufficient to determine the role of this variant in disease. Therefore, it has been classified as a Variant of Uncertain Significance.

NM_194248.3(OTOF):c.4513C>T (p.His1505Tyr)

Gene: OTOF (otoferlin; minus strand). Cytogenetic location: 2p23.3.
Variant type: single nucleotide variant.
Coding change: c.4513C>T on transcript NM_194248.3 (MANE Select); coding-DNA position 4513, C replaced by T.
Protein change: p.His1505Tyr; replaces histidine 1505 with tyrosine.
Molecular consequence: missense variant.
Genome position (GRCh38, 1-based): chr2:26,466,064, G>A on the plus strand (C>T on the coding strand, the complement: OTOF is on the minus strand). VCF-style: chr2-26466064-G-A. GRCh37 (hg19) VCF-style: chr2-26688932-G-A.
Other names: c.4513C>T, p.His1505Tyr (NM_001287489.2); c.2212C>T, p.His738Tyr (NM_004802.4, NM_194323.3); c.2443C>T, p.His815Tyr (NM_194322.3); short protein forms H1505Y, H738Y, H815Y.
Identifiers: ClinVar variation 1955462 (VCV001955462.5), dbSNP rs61736278, ClinGen allele CA346136144.